The following is an entry in ClinVar:

ClinVar aggregate classification (germline): Uncertain significance (1 of 4 stars; one submission).

Conditions:
Hereditary sensory and autonomic neuropathy type 7. Also called: HSAN VII; Neuropathy, hereditary sensory and autonomic, type VII. Identifiers: Orphanet 391397, MedGen C3809882, MONDO:0014244, OMIM 615548.
Familial episodic pain syndrome with predominantly lower limb involvement. Also called: Episodic pain syndrome, familial, 3. Identifiers: Orphanet 391384, Orphanet 391392, MedGen C3809899, MONDO:0014247, OMIM 615552.

Submission:

Labcorp Genetics (formerly Invitae), Labcorp
Classification: Uncertain significance for Familial episodic pain syndrome with predominantly lower limb involvement; Hereditary sensory and autonomic neuropathy type 7. Last evaluated: 2022-12-07. Review status: criteria provided, single submitter. Criteria: Invitae Variant Classification Sherloc (09022015). Collection method: clinical testing. Allele origin: germline.
Comment: In summary, the available evidence is currently insufficient to determine the role of this variant in disease. Therefore, it has been classified as a Variant of Uncertain Significance. This variant has not been reported in the literature in individuals affected with SCN11A-related conditions. Algorithms developed to predict the effect of missense changes on protein structure and function are either unavailable or do not agree on the potential impact of this missense change (SIFT: "Deleterious"; PolyPhen-2: "Benign"; Align-GVGD: "Class C0"). This sequence change replaces arginine, which is basic and polar, with threonine, which is neutral and polar, at codon 4 of the SCN11A protein (p.Arg4Thr). This variant is not present in population databases (gnomAD no frequency).

NM_001349253.2(SCN11A):c.11G>C (p.Arg4Thr)

Gene: SCN11A (sodium voltage-gated channel alpha subunit 11; minus strand). Cytogenetic location: 3p22.2.
Variant type: single nucleotide variant.
Coding change: c.11G>C on transcript NM_001349253.2 (MANE Select); coding-DNA position 11, G replaced by C.
Protein change: p.Arg4Thr; replaces arginine 4 with threonine.
Molecular consequence: missense variant.
Genome position (GRCh38, 1-based): chr3:38,950,352, C>G on the plus strand (G>C on the coding strand, the complement: SCN11A is on the minus strand). VCF-style: chr3-38950352-C-G. GRCh37 (hg19) VCF-style: chr3-38991843-C-G.
Other names: c.11G>C, p.Arg4Thr (NM_014139.3); short protein forms R4T.
Identifiers: ClinVar variation 2930490 (VCV002930490.3), dbSNP rs1281996981, ClinGen allele CA352176995.